The following is an entry in ClinVar:

ClinVar aggregate classification (germline): Uncertain significance (1 of 4 stars; one submission).

Conditions:
Cardiovascular phenotype. Identifiers: MedGen CN230736.

Submission:

Ambry Genetics
Classification: Uncertain significance for Cardiovascular phenotype. Last evaluated: 2026-03-09. Review status: criteria provided, single submitter. Criteria: Ambry Variant Classification Scheme 2023. Collection method: clinical testing. Allele origin: germline.
Comment: The p.S22P variant (also known as c.64T>C), located in coding exon 1 of the CBL gene, results from a T to C substitution at nucleotide position 64. The serine at codon 22 is replaced by proline, an amino acid with similar properties. This amino acid position is conserved. In addition, this alteration is predicted to be tolerated by in silico analysis. Based on the available evidence, the clinical significance of this variant remains unclear.

NM_005188.4(CBL):c.64T>C (p.Ser22Pro)

Genes: CBL (Cbl proto-oncogene; plus strand), LOC130006895 (ATAC-STARR-seq lymphoblastoid silent region 3975; plus strand). Cytogenetic location: 11q23.3.
Variant type: single nucleotide variant.
Coding change: c.64T>C on transcript NM_005188.4 (MANE Select); coding-DNA position 64, T replaced by C.
Protein change: p.Ser22Pro; replaces serine 22 with proline.
Molecular consequence: missense variant.
Genome position (GRCh38, 1-based): chr11:119,206,481, T>C. VCF-style: chr11-119206481-T-C. GRCh37 (hg19) VCF-style: chr11-119077191-T-C.
Other names: short protein forms S22P.
Identifiers: ClinVar variation 4827373 (VCV004827373.1).